The following is an entry in ClinVar:

NM_001164508.2(NEB):c.15246+12C>G

Gene: NEB (nebulin; minus strand). Cytogenetic location: 2q23.3.
Variant type: single nucleotide variant.
Coding change: c.15246+12C>G on transcript NM_001164508.2 (MANE Select); 12 bases into the intron after coding-DNA position 15246, C replaced by G.
Molecular consequence: intron variant.
Genome position (GRCh38, 1-based): chr2:151,589,877, G>C on the plus strand (C>G on the coding strand, the complement: NEB is on the minus strand). VCF-style: chr2-151589877-G-C. GRCh37 (hg19) VCF-style: chr2-152446391-G-C.
Other names: c.11602-13523C>G (NM_004543.5); c.15246+12C>G (NM_001164507.2, NM_001271208.2).
Identifiers: ClinVar variation 257753 (VCV000257753.2), dbSNP rs886038445, ClinGen allele CA10586760.

ClinVar aggregate classification (germline): Likely benign. Review status: criteria provided, multiple submitters, no conflicts (2 of 4 stars). 2 submissions from 2 submitters: Likely benign (2). Last evaluated 2017-03-21.

Submissions (2):

GeneDx
Classification: Likely benign. Last evaluated: 2017-03-21. Review status: criteria provided, single submitter. Criteria: GeneDx Variant Classification (06012015). Collection method: clinical testing. Allele origin: germline. Affected: yes.
Comment: This variant is considered likely benign or benign based on one or more of the following criteria: it is a conservative change, it occurs at a poorly conserved position in the protein, it is predicted to be benign by multiple in silico algorithms, and/or has population frequency not consistent with disease.

PreventionGenetics, part of Exact Sciences
Classification: Likely benign. Review status: criteria provided, single submitter. Criteria: ACMG Guidelines, 2015. Collection method: clinical testing. Allele origin: germline.